The following is an entry in ClinVar:

ClinVar aggregate classification (germline): Likely pathogenic (0 of 4 stars; one submission).

Allele frequency attached by ClinVar (database versions not stated): gnomAD 0.00002; TOPMed 0.00002; ExAC 0.00003; gnomAD exomes 0.00003.

Submission:

Institute of Anatomy and Cell Biology, Medical Faculty, University Of Bonn
Classification: Likely pathogenic. Last evaluated: 2023-08-16. Review status: no assertion criteria provided. Collection method: clinical testing. Allele origin: inherited. Affected: yes.
Comment: This variant was observed in compound heterozygosity with variant c.5059C>T

NM_001407.3(CELSR3):c.7075C>T (p.Pro2359Ser)

Gene: CELSR3 (cadherin EGF LAG seven-pass G-type receptor 3; minus strand). Cytogenetic location: 3p21.31.
Variant type: single nucleotide variant.
Coding change: c.7075C>T on transcript NM_001407.3 (MANE Select); coding-DNA position 7075, C replaced by T.
Protein change: p.Pro2359Ser; replaces proline 2359 with serine.
Molecular consequence: missense variant.
Genome position (GRCh38, 1-based): chr3:48,647,895, G>A on the plus strand (C>T on the coding strand, the complement: CELSR3 is on the minus strand). VCF-style: chr3-48647895-G-A. GRCh37 (hg19) VCF-style: chr3-48685328-G-A.
Other names: short protein forms P2359S.
Identifiers: ClinVar variation 2672072 (VCV002672072.1), dbSNP rs756551154, ClinGen allele CA2384306.